The following is an entry in ClinVar:

ClinVar aggregate classification (germline): Uncertain significance (1 of 4 stars; one submission).

Allele frequency attached by ClinVar (database versions not stated): gnomAD exomes below 0.00001; ExAC 0.00001; gnomAD 0.00007; TOPMed 0.00007; ESP Exome Variant Server 0.00008.
gnomAD v4.1: 17 of 1,610,108 alleles (0.0011%); highest among the groups gnomAD compares: African/African-American, 0.02%; no homozygotes.

Submission:

Labcorp Genetics (formerly Invitae), Labcorp
Classification: Uncertain significance. Last evaluated: 2022-09-21. Review status: criteria provided, single submitter. Criteria: Invitae Variant Classification Sherloc (09022015). Collection method: clinical testing. Allele origin: germline.
Comment: In summary, the available evidence is currently insufficient to determine the role of this variant in disease. Therefore, it has been classified as a Variant of Uncertain Significance. Advanced modeling of protein sequence and biophysical properties (such as structural, functional, and spatial information, amino acid conservation, physicochemical variation, residue mobility, and thermodynamic stability) performed at Invitae indicates that this missense variant is not expected to disrupt GCKR protein function. This missense change has been observed in individual(s) with clinical features of GCKR-related conditions (PMID: 32041611). This variant is present in population databases (rs140693385, gnomAD 0.02%). This sequence change replaces leucine, which is neutral and non-polar, with valine, which is neutral and non-polar, at codon 416 of the GCKR protein (p.Leu416Val).

Literature cited by the submitters: PubMed 32041611.

NM_001486.4(GCKR):c.1246C>G (p.Leu416Val)

Gene: GCKR (glucokinase regulator; plus strand). Cytogenetic location: 2p23.3.
Variant type: single nucleotide variant.
Coding change: c.1246C>G on transcript NM_001486.4 (MANE Select); coding-DNA position 1246, C replaced by G.
Protein change: p.Leu416Val; replaces leucine 416 with valine.
Molecular consequence: missense variant.
Genome position (GRCh38, 1-based): chr2:27,507,982, C>G. VCF-style: chr2-27507982-C-G. GRCh37 (hg19) VCF-style: chr2-27730849-C-G.
Other names: short protein forms L416V.
Identifiers: ClinVar variation 2419362 (VCV002419362.6), dbSNP rs140693385, ClinGen allele CA1581921.
Genomic context (GRCh38, chr2:27,507,982, plus strand): 5'-GGAGGAACAGCTGCACAGCCAGCCTTTCGACTCTGATGCCCTCCCCTTCTCCTAGACAAC[C>G]TCACGGAGGTGCAGACTATAGTGGAGCAGGTGAAAGAGAAGACCAACCACATCCAGGCCC-3'
Protein context (NP_001477.2, residues 406-426): VVFIFTLDDN[Leu416Val]TEVQTIVEQV